The following is an entry in ClinVar:

ClinVar aggregate classification (germline): Uncertain significance. Review status: criteria provided, multiple submitters, no conflicts (2 of 4 stars). 3 submissions from 3 submitters: Uncertain significance (3). Last evaluated 2024-12-19.

Conditions:
Hereditary cancer-predisposing syndrome. Also called: Hereditary Cancer Syndrome; Neoplastic Syndromes, Hereditary; Tumor predisposition; Hereditary neoplastic syndrome. Identifiers: Orphanet 140162, MedGen C0027672, MeSH D009386, MONDO:0015356.
Nijmegen breakage syndrome-like disorder (NBSLD). Also called: MICROCEPHALY AND SPONTANEOUS CHROMOSOME INSTABILITY WITHOUT IMMUNODEFICIENCY; NBS-LIKE DISORDER; RAD50 DEFICIENCY. Identifiers: Orphanet 240760, MedGen C2751318, MONDO:0013118, OMIM 613078.

Allele frequency attached by ClinVar (database versions not stated): gnomAD exomes below 0.00001 and 0.00001.
gnomAD v4.1: 7 of 1,613,946 alleles (0.00043%); highest among the groups gnomAD compares: Non-Finnish European, 0.00059%; no homozygotes.

Submissions (3):

Ambry Genetics
Classification: Uncertain significance for Hereditary cancer-predisposing syndrome. Last evaluated: 2024-12-19. Review status: criteria provided, single submitter. Criteria: Ambry Variant Classification Scheme 2023. Collection method: clinical testing. Allele origin: germline.
Comment: The p.F156C variant (also known as c.467T>G), located in coding exon 4 of the RAD50 gene, results from a T to G substitution at nucleotide position 467. The phenylalanine at codon 156 is replaced by cysteine, an amino acid with highly dissimilar properties. This amino acid position is highly conserved in available vertebrate species. In addition, this alteration is predicted to be deleterious by in silico analysis. Since supporting evidence is limited at this time, the clinical significance of this alteration remains unclear.

Labcorp Genetics (formerly Invitae), Labcorp
Classification: Uncertain significance for Hereditary cancer-predisposing syndrome. Last evaluated: 2024-11-07. Review status: criteria provided, single submitter. Criteria: Invitae Variant Classification Sherloc (09022015). Collection method: clinical testing. Allele origin: germline.
Comment: This sequence change replaces phenylalanine, which is neutral and non-polar, with cysteine, which is neutral and slightly polar, at codon 156 of the RAD50 protein (p.Phe156Cys). This variant is present in population databases (no rsID available, gnomAD 0.0009%). This variant has not been reported in the literature in individuals affected with RAD50-related conditions. ClinVar contains an entry for this variant (Variation ID: 480430). Invitae Evidence Modeling of protein sequence and biophysical properties (such as structural, functional, and spatial information, amino acid conservation, physicochemical variation, residue mobility, and thermodynamic stability) indicates that this missense variant is expected to disrupt RAD50 protein function with a positive predictive value of 80%. In summary, the available evidence is currently insufficient to determine the role of this variant in disease. Therefore, it has been classified as a Variant of Uncertain Significance.

Fulgent Genetics
Classification: Uncertain significance for Nijmegen breakage syndrome-like disorder. Last evaluated: 2018-10-31. Review status: criteria provided, single submitter. Criteria: ACMG Guidelines, 2015. Collection method: clinical testing. Allele origin: unknown.

NM_005732.4(RAD50):c.467T>G (p.Phe156Cys)

Gene: RAD50 (RAD50 double strand break repair protein; plus strand). Cytogenetic location: 5q31.1.
Variant type: single nucleotide variant.
Coding change: c.467T>G on transcript NM_005732.4 (MANE Select); coding-DNA position 467, T replaced by G.
Protein change: p.Phe156Cys; replaces phenylalanine 156 with cysteine.
Molecular consequence: missense variant.
Genome position (GRCh38, 1-based): chr5:132,579,418, T>G. VCF-style: chr5-132579418-T-G. GRCh37 (hg19) VCF-style: chr5-131915110-T-G.
Other names: short protein forms F156C.
Identifiers: ClinVar variation 480430 (VCV000480430.15), dbSNP rs1405344791, ClinGen allele CA360934357.
Genomic context (GRCh38, chr5:132,579,418, plus strand): 5'-TTGACCGAGAAATGATCAGTTCTCTTGGGGTTTCCAAGGCTGTGCTAAATAATGTCATTT[T>G]CTGTCATCAAGAAGATTCTAATTGGCCTTTAAGTGAAGGAAAGGCTTTGAAGCAAAAGTT-3'
Protein context (NP_005723.2, residues 146-166): VSKAVLNNVI[Phe156Cys]CHQEDSNWPL